The following is an entry in ClinVar:

ClinVar aggregate classification (germline): Conflicting classifications of pathogenicity. Review status: criteria provided, conflicting classifications (1 of 4 stars). 6 submissions from 6 submitters: Likely pathogenic (1); Uncertain significance (5). Last evaluated 2025-08-18.

Conditions:
Ehlers-Danlos syndrome, classic type, 1 (EDSCL1). Also called: EHLERS-DANLOS SYNDROME, GRAVIS TYPE; EHLERS-DANLOS SYNDROME, SEVERE CLASSIC TYPE; Ehlers-Danlos syndrome, type 1; EDS I; Ehlers-Danlos Syndrome, Classic Type, COL5A1-Related. Identifiers: MedGen C0268335, MONDO:0019567, OMIM 130000.
Osteogenesis imperfecta type I (OI1). Also called: Osteogenesis imperfecta type 1; OI, TYPE I; OSTEOGENESIS IMPERFECTA TARDA; OSTEOGENESIS IMPERFECTA WITH BLUE SCLERAE; Lobstein disease; Lobstein's Disease. Identifiers: Orphanet 216796, Orphanet 666, MedGen C0023931, MONDO:0008146, OMIM 166200. Disease mechanism: loss of function.
Cardiovascular phenotype. Identifiers: MedGen CN230736.

Allele frequency attached by ClinVar (database versions not stated): TOPMed 0.00002.
gnomAD v4.1: 20 of 1,613,466 alleles (0.0012%); highest among the groups gnomAD compares: Middle Eastern, 0.017%; no homozygotes.

Submissions (6):

Mayo Clinic Laboratories, Mayo Clinic
Classification: Likely pathogenic. Last evaluated: 2025-08-18. Review status: criteria provided, single submitter. Criteria: ACMG Guidelines, 2015. Collection method: clinical testing. Allele origin: germline. Observed: 1 variant allele.
Comment: PP3_moderate, PM1, PM5

Ambry Genetics
Classification: Uncertain significance for Cardiovascular phenotype. Last evaluated: 2025-03-12. Review status: criteria provided, single submitter. Criteria: Ambry Variant Classification Scheme 2023. Collection method: clinical testing. Allele origin: germline.
Comment: The p.R1258C variant (also known as c.3772C>T), located in coding exon 51 of the COL1A2 gene, results from a C to T substitution at nucleotide position 3772. The arginine at codon 1258 is replaced by cysteine, an amino acid with highly dissimilar properties. This amino acid position is highly conserved in available vertebrate species. In addition, this alteration is predicted to be deleterious by in silico analysis. Since supporting evidence is limited at this time, the clinical significance of this alteration remains unclear.

Blueprint Genetics
Classification: Uncertain significance. Last evaluated: 2024-11-27. Review status: criteria provided, single submitter. Criteria: ACMG Guidelines, 2015. Collection method: clinical testing. Allele origin: germline.

GeneDx
Classification: Uncertain significance. Last evaluated: 2023-09-29. Review status: criteria provided, single submitter. Criteria: GeneDx Variant Classification Process June 2021. Collection method: clinical testing. Allele origin: germline. Affected: yes.
Comment: Has not been previously published as pathogenic or benign to our knowledge; In silico analysis supports that this missense variant has a deleterious effect on protein structure/function; Not located in the triple helical region, where the majority of pathogenic missense variants occur (HGMD)

Labcorp Genetics (formerly Invitae), Labcorp
Classification: Uncertain significance for Osteogenesis imperfecta type I; Ehlers-Danlos syndrome, classic type, 1. Last evaluated: 2023-05-12. Review status: criteria provided, single submitter. Criteria: Invitae Variant Classification Sherloc (09022015). Collection method: clinical testing. Allele origin: germline.
Comment: Advanced modeling of protein sequence and biophysical properties (such as structural, functional, and spatial information, amino acid conservation, physicochemical variation, residue mobility, and thermodynamic stability) performed at Invitae indicates that this missense variant is expected to disrupt COL1A2 protein function. In summary, the available evidence is currently insufficient to determine the role of this variant in disease. Therefore, it has been classified as a Variant of Uncertain Significance. ClinVar contains an entry for this variant (Variation ID: 804569). This sequence change replaces arginine, which is basic and polar, with cysteine, which is neutral and slightly polar, at codon 1258 of the COL1A2 protein (p.Arg1258Cys). This variant is present in population databases (rs766273613, gnomAD 0.01%). This variant has not been reported in the literature in individuals affected with COL1A2-related conditions.

Athena Diagnostics
Classification: Uncertain significance. Last evaluated: 2018-08-31. Review status: criteria provided, single submitter. Criteria: Athena Diagnostics Criteria. Collection method: clinical testing. Allele origin: germline.

Literature cited by the submitters: PubMed 27748872 (cited by Mayo Clinic Laboratories, Mayo Clinic); PubMed 30029678 (cited by Mayo Clinic Laboratories, Mayo Clinic).

NM_000089.4(COL1A2):c.3772C>T (p.Arg1258Cys)

Gene: COL1A2 (collagen type I alpha 2 chain; plus strand). Cytogenetic location: 7q21.3.
Variant type: single nucleotide variant.
Coding change: c.3772C>T on transcript NM_000089.4 (MANE Select); coding-DNA position 3772, C replaced by T.
Protein change: p.Arg1258Cys; replaces arginine 1258 with cysteine.
Molecular consequence: missense variant.
Genome position (GRCh38, 1-based): chr7:94,429,248, C>T. VCF-style: chr7-94429248-C-T. GRCh37 (hg19) VCF-style: chr7-94058560-C-T.
Other names: p.Arg1258Cys; short protein forms R1258C.
Identifiers: ClinVar variation 804569 (VCV000804569.14), dbSNP rs766273613, ClinGen allele CA4347853.